The following is an entry in ClinVar:

NM_016648.4(LARP7):c.1634_1637del (p.Asn545fs)

Gene: LARP7 (La ribonucleoprotein 7, transcriptional regulator; plus strand). Cytogenetic location: 4q25.
Variant type: Deletion.
Coding change: c.1634_1637del on transcript NM_016648.4 (MANE Select); coding-DNA positions 1634 to 1637, 4 bases deleted (ATCA; older notation c.1634_1637delATCA).
Protein change: p.Asn545fs; shifts the reading frame from asparagine 545.
Molecular consequence: frameshift variant.
Genome position (GRCh38, 1-based): chr4:112,654,125-112,654,128, ATCA deleted; deleting any 4 consecutive bases within chr4:112,654,124-112,654,128 gives the same sequence; the c. name uses the placement nearest the transcript's 3' end. VCF-style (leftmost placement, unchanged base first): chr4-112654123-TAATC-T. GRCh37 (hg19) VCF-style: chr4-113575279-TAATC-T.
Other names: c.1634_1637del, p.Asn545fs (NM_001267039.4, NM_001370978.1, NM_015454.3); c.1673_1676del, p.Asn558fs (NM_001370974.1, NM_001370975.1); c.1670_1673del, p.Asn557fs (NM_001370976.1, NM_001370977.1); c.1631_1634del, p.Asn544fs (NM_001370979.1, NM_001370980.1); c.1397_1400del, p.Asn466fs (NM_001370981.1, NM_001370982.1); short protein forms N544fs, N545fs, N466fs, N557fs, N558fs.
Identifiers: ClinVar variation 3290155 (VCV003290155.1).

ClinVar aggregate classification (germline): Uncertain significance (1 of 4 stars; one submission).

Conditions:
Inborn genetic diseases. Identifiers: MedGen C0950123, MeSH D030342.

Submission:

Ambry Genetics
Classification: Uncertain significance for Inborn genetic diseases. Last evaluated: 2024-06-13. Review status: criteria provided, single submitter. Criteria: Ambry Variant Classification Scheme 2023. Collection method: clinical testing. Allele origin: germline.
Comment: The c.1634_1637delATCA (p.N545Sfs*12) alteration, located in exon 12 (coding exon 11) of the LARP7 gene, consists of a deletion of 4 nucleotides from position 1634 to 1637, causing a translational frameshift with a predicted alternate stop codon after 12 amino acids. This alteration occurs at the 3' terminus of the LARP7 gene, is not expected to trigger nonsense-mediated mRNA decay, and only impacts the last 6.5% of the protein. The exact functional effect of this alteration is unknown. Based on data from gnomAD, this allele has an overall frequency of 0.003% (1/31394) total alleles studied. The highest observed frequency was 0.007% (1/15428) of European (non-Finnish) alleles. Based on insufficient or conflicting evidence, the clinical significance of this alteration remains unclear.